The following is an entry in ClinVar:

NM_000258.3(MYL3):c.-27C>T

Gene: MYL3 (myosin light chain 3; minus strand). Cytogenetic location: 3p21.31.
Variant type: single nucleotide variant.
Coding change: c.-27C>T on transcript NM_000258.3 (MANE Select); 27 bases upstream of the start codon, C replaced by T.
Molecular consequence: 5 prime UTR variant.
Genome position (GRCh38, 1-based): chr3:46,863,417, G>A on the plus strand (C>T on the coding strand, the complement: MYL3 is on the minus strand). VCF-style: chr3-46863417-G-A. GRCh37 (hg19) VCF-style: chr3-46904907-G-A.
Identifiers: ClinVar variation 138402 (VCV000138402.1), dbSNP rs201910884, ClinGen allele CA013691.

ClinVar aggregate classification (germline): Benign (1 of 4 stars; one submission).

Allele frequency attached by ClinVar (database versions not stated): gnomAD exomes 0.00010 and 0.00023; ExAC 0.00029; TOPMed 0.00073; gnomAD 0.00076 and 0.00079; ESP Exome Variant Server 0.00092; 1000 Genomes Project 30x 0.00141; 1000 Genomes Project 0.00160.
gnomAD v4.1: 270 of 1,612,124 alleles (0.017%); highest among the groups gnomAD compares: African/African-American, 0.27%; 2 homozygotes.

Submission:

GeneDx
Classification: Benign. Last evaluated: 2013-11-20. Review status: criteria provided, single submitter. Criteria: GeneDx Variant Classification (06012015). Collection method: clinical testing. Allele origin: germline. Affected: yes.
Comment: This variant is considered likely benign or benign based on one or more of the following criteria: it is a conservative change, it occurs at a poorly conserved position in the protein, it is predicted to be benign by multiple in silico algorithms, and/or has population frequency not consistent with disease.